The following is an entry in ClinVar:

NM_021160.3(ABHD16A):c.568C>T (p.Arg190Trp)

Gene: ABHD16A (abhydrolase domain containing 16A, phospholipase; minus strand). Cytogenetic location: 6p21.33.
Variant type: single nucleotide variant.
Coding change: c.568C>T on transcript NM_021160.3 (MANE Select); coding-DNA position 568, C replaced by T.
Protein change: p.Arg190Trp; replaces arginine 190 with tryptophan.
Molecular consequence: missense variant. On other transcripts: non-coding transcript variant (2).
Genome position (GRCh38, 1-based): chr6:31,693,085, G>A on the plus strand (C>T on the coding strand, the complement: ABHD16A is on the minus strand). VCF-style: chr6-31693085-G-A. GRCh37 (hg19) VCF-style: chr6-31660862-G-A.
Other names: c.469C>T, p.Arg157Trp (NM_001177515.2); short protein forms R157W, R190W.
Identifiers: ClinVar variation 3036500 (VCV003036500.2), dbSNP rs201865496, ClinGen allele CA3719418.

ClinVar aggregate classification (germline): Likely benign (0 of 4 stars; one submission).

Conditions:
ABHD16A-related disorder. Also called: ABHD16A-related condition.

Allele frequency attached by ClinVar (database versions not stated): gnomAD exomes 0.00007; ExAC 0.00017; ESP Exome Variant Server 0.00046; gnomAD 0.00047; TOPMed 0.00060; 1000 Genomes Project 30x 0.00062; 1000 Genomes Project 0.00080.

Submission:

PreventionGenetics, part of Exact Sciences
Classification: Likely benign for ABHD16A-related condition. Last evaluated: 2022-02-24. Review status: no assertion criteria provided. Collection method: clinical testing. Allele origin: germline.
Comment: This variant is classified as likely benign based on ACMG/AMP sequence variant interpretation guidelines (Richards et al. 2015 PMID: 25741868, with internal and published modifications).